The following is an entry in ClinVar:

ClinVar aggregate classification (germline): Uncertain significance. Review status: criteria provided, multiple submitters, no conflicts (2 of 4 stars). 2 submissions from 2 submitters: Uncertain significance (2). Last evaluated 2025-03-20.

Conditions:
Inborn genetic diseases. Identifiers: MedGen C0950123, MeSH D030342.

Submissions (2):

Ambry Genetics
Classification: Uncertain significance for Inborn genetic diseases. Last evaluated: 2025-03-20. Review status: criteria provided, single submitter. Criteria: Ambry Variant Classification Scheme 2023. Collection method: clinical testing. Allele origin: germline.

Labcorp Genetics (formerly Invitae), Labcorp
Classification: Uncertain significance. Last evaluated: 2023-08-14. Review status: criteria provided, single submitter. Criteria: Invitae Variant Classification Sherloc (09022015). Collection method: clinical testing. Allele origin: germline.
Comment: An algorithm developed to predict the effect of missense changes on protein structure and function (PolyPhen-2) suggests that this variant is likely to be disruptive. In summary, the available evidence is currently insufficient to determine the role of this variant in disease. Therefore, it has been classified as a Variant of Uncertain Significance. This variant has not been reported in the literature in individuals affected with ASXL1-related conditions. This variant is not present in population databases (gnomAD no frequency). This sequence change replaces methionine, which is neutral and non-polar, with isoleucine, which is neutral and non-polar, at codon 1492 of the ASXL1 protein (p.Met1492Ile).

NM_015338.6(ASXL1):c.4476G>A (p.Met1492Ile)

Gene: ASXL1 (ASXL transcriptional regulator 1; plus strand). Cytogenetic location: 20q11.21.
Variant type: single nucleotide variant.
Coding change: c.4476G>A on transcript NM_015338.6 (MANE Select); coding-DNA position 4476, G replaced by A.
Protein change: p.Met1492Ile; replaces methionine 1492 with isoleucine.
Molecular consequence: missense variant.
Genome position (GRCh38, 1-based): chr20:32,437,188, G>A. VCF-style: chr20-32437188-G-A. GRCh37 (hg19) VCF-style: chr20-31024991-G-A.
Other names: c.4293G>A, p.Met1431Ile (NM_001363734.1); short protein forms M1492I, M1431I.
Identifiers: ClinVar variation 2812472 (VCV002812472.3), dbSNP rs2515594364, ClinGen allele CA408565245.